The following is an entry in ClinVar:

ClinVar aggregate classification (germline): Pathogenic (1 of 4 stars; one submission).

Conditions:
Nemaline myopathy 2 (NEM2). Also called: Nemaline myopathy 2, autosomal recessive. Identifiers: MedGen C1850569, MONDO:0009725, OMIM 256030.

Submission:

Myriad Genetics, Inc.
Classification: Pathogenic for Nemaline myopathy 2. Last evaluated: 2023-09-13. Review status: criteria provided, single submitter. Criteria: Myriad Autosomal Dominant, Autosomal Recessive and X-Linked Classification Criteria (2023). Collection method: clinical testing. Allele origin: unknown.
Comment: NM_001271208.1(NEB):c.21924_21934dup11(Q7312Rfs*39) is expected to be pathogenic in the context of NEB-related nemaline myopathy. This variant is predicted to lead to an abnormal or absent protein product due to the creation of a premature termination codon in NEB, a gene where loss-of-function variants are known to be pathogenic. Please note: this variant was assessed in the context of healthy population screening.

NM_001164508.2(NEB):c.21819_21829dup (p.Gln7277fs)

Genes: NEB (nebulin; minus strand), RIF1 (replication timing regulatory factor 1; plus strand). Cytogenetic location: 2q23.3.
Variant type: Duplication.
Coding change: c.21819_21829dup on transcript NM_001164508.2 (MANE Select); coding-DNA positions 21819 to 21829, 11 bases duplicated (GTCATCCCTGC).
Protein change: p.Gln7277fs; shifts the reading frame from glutamine 7277.
Molecular consequence: frameshift variant.
Genome position (GRCh38, 1-based): chr2:151,527,492-151,527,502, GCAGGGATGAC duplicated on the plus strand (GTCATCCCTGC on the coding strand, the reverse complement: NEB is on the minus strand). VCF-style (leftmost placement, unchanged base first): chr2-151527491-T-TGCAGGGATGAC. GRCh37 (hg19) VCF-style: chr2-152384005-T-TGCAGGGATGAC.
Other names: c.21819_21829dup, p.Gln7277fs (NM_001164507.2); c.21924_21934dup, p.Gln7312fs (NM_001271208.2); c.16716_16726dup, p.Gln5576fs (NM_004543.5); short protein forms Q5576fs, Q7277fs, Q7312fs.
Identifiers: ClinVar variation 5011665 (VCV005011665.1).